The following is an entry in ClinVar:

ClinVar aggregate classification (germline): Uncertain significance (1 of 4 stars; one submission).

Conditions:
Alagille syndrome due to a JAG1 point mutation. Also called: HEPATIC DUCTULAR HYPOPLASIA, SYNDROMATIC; JAG1-Related Alagille Syndrome; Alagille Syndrome 1. Identifiers: Orphanet 261619, Orphanet 52, MedGen C1956125, MONDO:0016862, OMIM 118450.
Deafness, congenital heart defects, and posterior embryotoxon (DCHE). Identifiers: MedGen C1866053, MONDO:0060713, OMIM 617992.
Charcot-Marie-Tooth disease, axonal, Type 2HH. Also called: CHARCOT-MARIE-TOOTH NEUROPATHY, TYPE 2HH. Identifiers: MedGen C5562003, MONDO:0030458, OMIM 619574.
Tetralogy of Fallot (TOF). Identifiers: Orphanet 3303, MedGen C0039685, MONDO:0008542, OMIM 187500, HP:0001636.

Submission:

Juno Genomics, Hangzhou Juno Genomics, Inc
Classification: Uncertain significance for Tetralogy of Fallot; Deafness, congenital heart defects, and posterior embryotoxon; Alagille syndrome due to a JAG1 point mutation; Charcot-Marie-Tooth disease, axonal, Type 2HH. Review status: criteria provided, single submitter. Criteria: ACMG Guidelines, 2015. Collection method: clinical testing. Allele origin: germline. Affected: yes.
Comment: Absent from controls (or at extremely low frequency if recessive) in Genome Aggregation Database, Exome Sequencing Project, 1000 Genomes Project, or Exome Aggregation Consortium.;De novo (both maternity and paternity confirmed) in a patient with the disease and no family history.;Protein length changes due to in-frame deletions/insertions in a non-repeat region or stop-loss variants.

NM_000214.3(JAG1):c.134_154dup (p.Asn51_Gly52insValAsnGlyGluLeuGlnAsn)

Gene: JAG1 (jagged canonical Notch ligand 1; minus strand). Cytogenetic location: 20p12.2.
Variant type: Duplication.
Coding change: c.134_154dup on transcript NM_000214.3 (MANE Select); coding-DNA positions 134 to 154, 21 bases duplicated (TGAACGGGGAGCTGCAGAACG).
Protein change: p.Asn51_Gly52insValAsnGlyGluLeuGlnAsn.
Molecular consequence: inframe insertion.
Genome position (GRCh38, 1-based): chr20:10,672,934-10,672,954, CGTTCTGCAGCTCCCCGTTCA duplicated on the plus strand (TGAACGGGGAGCTGCAGAACG on the coding strand, the reverse complement: JAG1 is on the minus strand); duplicating any 21 consecutive bases within chr20:10,672,934-10,672,963 gives the same sequence; the c. name uses the placement nearest the transcript's 3' end. VCF-style (leftmost placement, unchanged base first): chr20-10672933-C-CCGTTCTGCAGCTCCCCGTTCA. GRCh37 (hg19) VCF-style: chr20-10653581-C-CCGTTCTGCAGCTCCCCGTTCA.
Identifiers: ClinVar variation 3899352 (VCV003899352.2).